The following is an entry in ClinVar:

NM_000245.4(MET):c.1966-17T>C

Gene: MET (MET proto-oncogene, receptor tyrosine kinase; plus strand). Cytogenetic location: 7q31.2.
Variant type: single nucleotide variant.
Coding change: c.1966-17T>C on transcript NM_000245.4 (MANE Select); 17 bases into the intron before coding-DNA position 1966, T replaced by C.
Molecular consequence: intron variant.
Genome position (GRCh38, 1-based): chr7:116,757,621, T>C. VCF-style: chr7-116757621-T-C. GRCh37 (hg19) VCF-style: chr7-116397675-T-C.
Other names: c.1966-17T>C (NM_001127500.3, NM_001324401.3); c.676-17T>C (NM_001324402.2).
Identifiers: ClinVar variation 1600099 (VCV001600099.14), dbSNP rs555288487, ClinGen allele CA4448345.

ClinVar aggregate classification (germline): Benign/Likely benign. Review status: criteria provided, multiple submitters, no conflicts (2 of 4 stars). 3 submissions from 3 submitters: Benign (1); Likely benign (2). Last evaluated 2026-01-19.

Conditions:
Renal cell carcinoma. Identifiers: Orphanet 217071, MedGen C0007134, MeSH D002292, MONDO:0005086, HP:0005584.
Papillary renal cell carcinoma type 1 (RCCP1). Also called: RENAL CELL CARCINOMA, PAPILLARY, 1, SOMATIC; Renal adenocarcinoma; Renal cell carcinoma 1; Renal cell carcinoma, somatic. Identifiers: Orphanet 47044, MedGen C1336839, OMIM 605074, HP:0011797.

Allele frequency attached by ClinVar (database versions not stated): gnomAD exomes 0.00015 and 0.00027; TOPMed 0.00003; gnomAD 0.00013; ExAC 0.00031; 1000 Genomes Project 0.00100; 1000 Genomes Project 30x 0.00125.
gnomAD v4.1: 241 of 1,613,980 alleles (0.015%); highest among the groups gnomAD compares: South Asian, 0.25%; 1 homozygote.

Submissions (3):

Labcorp Genetics (formerly Invitae), Labcorp
Classification: Benign for Renal cell carcinoma. Last evaluated: 2026-01-19. Review status: criteria provided, single submitter. Criteria: Invitae Variant Classification Sherloc (09022015). Collection method: clinical testing. Allele origin: germline.

Center for Genomic Medicine, Rigshospitalet, Copenhagen University Hospital
Classification: Likely benign. Last evaluated: 2025-03-04. Review status: criteria provided, single submitter. Criteria: ACMG Guidelines, 2015. Collection method: clinical testing. Allele origin: germline.

Myriad Genetics, Inc.
Classification: Likely benign for Papillary renal cell carcinoma type 1. Last evaluated: 2024-11-08. Review status: criteria provided, single submitter. Criteria: Myriad Autosomal Dominant, Autosomal Recessive and X-Linked Classification Criteria (2023). Collection method: clinical testing. Allele origin: unknown.
Comment: This variant is considered likely benign. This variant is intronic and is not expected to impact mRNA splicing.